The following is an entry in ClinVar:

ClinVar aggregate classification (germline): Benign/Likely benign. Review status: criteria provided, multiple submitters, no conflicts (2 of 4 stars). 6 submissions from 6 submitters: Benign (4); Likely benign (2). Last evaluated 2025-10-26.

Conditions:
Familial sleep-related hypermotor epilepsy. Also called: Autosomal Dominant Sleep-Related Hypermotor (Hyperkinetic) Epilepsy. Identifiers: Orphanet 98784, MedGen C3696898, MONDO:0000030.
Inborn genetic diseases. Identifiers: MedGen C0950123, MeSH D030342.

Allele frequency attached by ClinVar (database versions not stated): ESP Exome Variant Server 0.00008; gnomAD 0.00008 and 0.00049; TOPMed 0.00012; gnomAD exomes 0.00050 and 0.00113; ExAC 0.00122; 1000 Genomes Project 30x 0.00344; 1000 Genomes Project 0.00359.

Submissions (6):

Labcorp Genetics (formerly Invitae), Labcorp
Classification: Benign. Last evaluated: 2025-10-26. Review status: criteria provided, single submitter. Criteria: Invitae Variant Classification Sherloc (09022015). Collection method: clinical testing. Allele origin: germline.

Blueprint Genetics
Classification: Likely benign. Last evaluated: 2024-10-31. Review status: criteria provided, single submitter. Criteria: ACMG Guidelines, 2015. Collection method: clinical testing. Allele origin: germline.

Athena Diagnostics
Classification: Benign. Last evaluated: 2018-04-16. Review status: criteria provided, single submitter. Criteria: Athena Diagnostics Criteria. Collection method: clinical testing. Allele origin: germline.

Ambry Genetics
Classification: Likely benign for Inborn genetic diseases. Last evaluated: 2016-07-26. Review status: criteria provided, single submitter. Criteria: Ambry Variant Classification Scheme 2023. Collection method: clinical testing. Allele origin: germline.

Eurofins Ntd Llc (ga)
Classification: Benign. Last evaluated: 2015-03-19. Review status: criteria provided, single submitter. Criteria: EGL Classification Definitions 2015. Collection method: clinical testing. Allele origin: germline. Observed: 1 variant allele, 1 heterozygote.

GeneDx
Classification: Benign. Last evaluated: 2013-07-09. Review status: criteria provided, single submitter. Criteria: GeneDx Variant Classification (06012015). Collection method: clinical testing. Allele origin: germline. Affected: yes.
Comment: This variant is considered likely benign or benign based on one or more of the following criteria: it is a conservative change, it occurs at a poorly conserved position in the protein, it is predicted to be benign by multiple in silico algorithms, and/or has population frequency not consistent with disease.

NM_000744.7(CHRNA4):c.402G>A (p.Ala134=)

Gene: CHRNA4 (cholinergic receptor nicotinic alpha 4 subunit; minus strand). Cytogenetic location: 20q13.33.
Variant type: single nucleotide variant.
Coding change: c.402G>A on transcript NM_000744.7 (MANE Select); coding-DNA position 402, G replaced by A.
Protein change: p.Ala134=; no amino-acid change (alanine 134 retained).
Molecular consequence: synonymous variant. On other transcripts: 5 prime UTR variant (1), non-coding transcript variant (1).
Genome position (GRCh38, 1-based): chr20:63,351,009, C>T on the plus strand (G>A on the coding strand, the complement: CHRNA4 is on the minus strand). VCF-style: chr20-63351009-C-T. GRCh37 (hg19) VCF-style: chr20-61982361-C-T.
Other names: p.A134A:GCG>GCA; c.-127G>A (NM_001256573.2).
Identifiers: ClinVar variation 136756 (VCV000136756.22), dbSNP rs201488442, ClinGen allele CA303016.